The following is an entry in ClinVar:

NM_000321.3(RB1):c.69GCC[5] (p.Pro29dup)

Gene: RB1 (RB transcriptional corepressor 1; plus strand). Cytogenetic location: 13q14.2.
Variant type: Microsatellite.
Coding change: c.69GCC[5] on transcript NM_000321.3 (MANE Select); five copies in a row of the 3-base unit GCC starting at c.69; the reference has four copies in a row; one copy, 3 bases duplicated; also written c.78_80dup.
Protein change: p.Pro29dup; duplicates proline 29.
Molecular consequence: inframe insertion.
Genome position (GRCh38, 1-based): chr13:48,303,990-48,303,992, GCC duplicated; duplicating any 3 consecutive bases within chr13:48,303,979-48,303,992 gives the same sequence; the position shown is the placement nearest the transcript's 3' end. VCF-style (leftmost placement, unchanged base first): chr13-48303978-A-ACCG. GRCh37 (hg19) VCF-style: chr13-48878114-A-ACCG.
Other names: c.78_80dup (NM_000321.2).
Identifiers: ClinVar variation 486294 (VCV000486294.16), dbSNP rs587778823, ClinGen allele CA6978876.

ClinVar aggregate classification (germline): Conflicting classifications of pathogenicity. Review status: criteria provided, conflicting classifications (1 of 4 stars). 3 submissions from 3 submitters: Uncertain significance (1); Likely benign (2). Last evaluated 2026-01-26.

Conditions:
Hereditary cancer-predisposing syndrome. Also called: Tumor predisposition; Hereditary Cancer Syndrome; Hereditary neoplastic syndrome; Neoplastic Syndromes, Hereditary. Identifiers: Orphanet 140162, MedGen C0027672, MeSH D009386, MONDO:0015356.
Retinoblastoma (RB1). Also called: RETINOBLASTOMA, SOMATIC. Identifiers: Orphanet 790, MedGen C0035335, MeSH D012175, MONDO:0008380, OMIM 180200, HP:0009919. Disease mechanism: loss of function. Inheritance: Both sporadic and heritable forms are tested..

Submissions (3):

Labcorp Genetics (formerly Invitae), Labcorp
Classification: Likely benign for Retinoblastoma. Last evaluated: 2026-01-26. Review status: criteria provided, single submitter. Criteria: Invitae Variant Classification Sherloc (09022015). Collection method: clinical testing. Allele origin: germline.

GeneDx
Classification: Uncertain significance. Last evaluated: 2025-02-09. Review status: criteria provided, single submitter. Criteria: GeneDx Variant Classification Process June 2021. Collection method: clinical testing. Allele origin: germline. Affected: yes.
Comment: Not observed at significant frequency in large population cohorts (gnomAD); In-frame duplication of 1 amino acid(s) in a non-repeat region; Has not been previously published as pathogenic or benign to our knowledge; This variant is associated with the following publications: (PMID: 23516486)

Ambry Genetics
Classification: Likely benign for Hereditary cancer-predisposing syndrome. Last evaluated: 2024-12-30. Review status: criteria provided, single submitter. Criteria: Ambry Variant Classification Scheme 2023. Collection method: clinical testing. Allele origin: germline.